The following is an entry in ClinVar:

ClinVar aggregate classification (germline): Likely benign. Review status: reviewed by expert panel (3 of 4 stars). 12 submissions from 12 submitters: Likely benign (1). 11 of the submissions do not count toward it. Last evaluated 2017-06-29.

Conditions:
BRCA2-related disorder. Also called: BRCA2-related condition; BRCA2-related disorders. Identifiers: MedGen CN239275.
Hereditary cancer-predisposing syndrome. Also called: Tumor predisposition; Neoplastic Syndromes, Hereditary; Hereditary neoplastic syndrome; Hereditary Cancer Syndrome. Identifiers: Orphanet 140162, MedGen C0027672, MeSH D009386, MONDO:0015356.
Hereditary breast ovarian cancer syndrome. Also called: Hereditary breast and ovarian cancer syndrome; Hereditary breast and ovarian cancer syndrome (HBOC); Hereditary breast and ovarian cancer; Breast and ovarian cancer; BRCA1- and BRCA2-Associated Hereditary Breast and Ovarian Cancer; Hereditary breast and/or ovarian cancer syndrome. Identifiers: Orphanet 145, MedGen C0677776, MeSH D061325, MONDO:0003582. Disease mechanism: loss of function.
Breast-ovarian cancer, familial, susceptibility to, 2 (BROVCA2). Also called: BRCA2 Hereditary Breast and Ovarian Cancer. Identifiers: Orphanet 145, MedGen C2675520, MONDO:0012933, OMIM 612555. Disease mechanism: loss of function.

Allele frequency attached by ClinVar (database versions not stated): gnomAD exomes 0.00001; ExAC 0.00002; gnomAD 0.00011 and 0.00012; TOPMed 0.00013; ESP Exome Variant Server 0.00023.
gnomAD v4.1: 26 of 1,613,684 alleles (0.0016%); highest among the groups gnomAD compares: African/African-American, 0.032%; no homozygotes.

Submissions (12):

Evidence-based Network for the Interpretation of Germline Mutant Alleles (ENIGMA)
Classification: Likely benign for Breast-ovarian cancer, familial, susceptibility to, 2. Last evaluated: 2017-06-29. Review status: reviewed by expert panel. Criteria: ENIGMA BRCA1/2 Classification Criteria (2017-06-29). Collection method: curation. Allele origin: germline.
Comment: Synonymous substitution variant, with low bioinformatic likelihood to result in a splicing aberration (Splicing prior probability 0.02).

Labcorp Genetics (formerly Invitae), Labcorp
Classification: Likely benign for Hereditary breast ovarian cancer syndrome. Last evaluated: 2026-01-15. Review status: criteria provided, single submitter. Criteria: Invitae Variant Classification Sherloc (09022015). Collection method: clinical testing. Allele origin: germline. Not counted in ClinVar's aggregate classification.

Blueprint Genetics
Classification: Likely benign. Last evaluated: 2024-09-24. Review status: criteria provided, single submitter. Criteria: ACMG Guidelines, 2015. Collection method: clinical testing. Allele origin: germline. Not counted in ClinVar's aggregate classification.

All of Us Research Program, National Institutes of Health
Classification: Likely benign for Breast-ovarian cancer, familial, susceptibility to, 2. Last evaluated: 2023-12-13. Review status: criteria provided, single submitter. Criteria: ACMG Guidelines, 2015. Collection method: clinical testing. Allele origin: germline. Inheritance: Autosomal dominant inheritance. Observed: 6 variant alleles, 6 heterozygotes. Not counted in ClinVar's aggregate classification.
Comment: This study involves interpretation of variants in research participants for the purpose of population health screening. Participant phenotype was not available at the time of variant classification. Additional details can be found in publication PMID: 35346344, PMCID: PMC8962531

Genetic Services Laboratory, University of Chicago
Classification: Likely benign. Last evaluated: 2021-11-30. Review status: criteria provided, single submitter. Criteria: ACMG Guidelines, 2015. Collection method: clinical testing. Allele origin: germline. Affected: no. Not counted in ClinVar's aggregate classification.

Women's Health and Genetics/Laboratory Corporation of America, LabCorp
Classification: Likely benign. Last evaluated: 2021-07-09. Review status: criteria provided, single submitter. Criteria: LabCorp Variant Classification Summary - May 2015. Collection method: clinical testing. Allele origin: germline. Not counted in ClinVar's aggregate classification.

Quest Diagnostics Nichols Institute San Juan Capistrano
Classification: Likely benign. Last evaluated: 2021-03-10. Review status: criteria provided, single submitter. Criteria: Quest Diagnostics criteria. Collection method: clinical testing. Allele origin: unknown. Not counted in ClinVar's aggregate classification.

Sema4
Classification: Likely benign for Hereditary cancer-predisposing syndrome. Last evaluated: 2020-10-23. Review status: criteria provided, single submitter. Criteria: Sema4 Curation Guidelines. Collection method: curation. Allele origin: germline. Not counted in ClinVar's aggregate classification.

Color Diagnostics, LLC DBA Color Health
Classification: Likely benign for Hereditary cancer-predisposing syndrome. Last evaluated: 2016-09-08. Review status: criteria provided, single submitter. Criteria: ACMG Guidelines, 2015. Collection method: clinical testing. Allele origin: germline. Not counted in ClinVar's aggregate classification.

GeneDx
Classification: Benign. Last evaluated: 2015-03-03. Review status: criteria provided, single submitter. Criteria: GeneDx Variant Classification Process June 2021. Collection method: clinical testing. Allele origin: germline. Affected: yes. Not counted in ClinVar's aggregate classification.

Ambry Genetics
Classification: Likely benign for Hereditary cancer-predisposing syndrome. Last evaluated: 2014-10-08. Review status: criteria provided, single submitter. Criteria: Ambry Variant Classification Scheme 2023. Collection method: clinical testing. Allele origin: germline. Not counted in ClinVar's aggregate classification.

PreventionGenetics, part of Exact Sciences
Classification: Likely benign for BRCA2-related condition. Last evaluated: 2022-11-23. Review status: no assertion criteria provided. Collection method: clinical testing. Allele origin: germline. Not counted in ClinVar's aggregate classification.
Comment: This variant is classified as likely benign based on ACMG/AMP sequence variant interpretation guidelines (Richards et al. 2015 PMID: 25741868, with internal and published modifications).

Literature cited by the submitters: PubMed 23320992 (cited by Women's Health and Genetics/Laboratory Corporation of America, LabCorp); PubMed 30362333 (cited by Quest Diagnostics Nichols Institute San Juan Capistrano).

NM_000059.4(BRCA2):c.7278T>A (p.Ile2426=)

Gene: BRCA2 (BRCA2 DNA repair associated; plus strand). Cytogenetic location: 13q13.1.
Variant type: single nucleotide variant.
Coding change: c.7278T>A on transcript NM_000059.4 (MANE Select); coding-DNA position 7278, T replaced by A.
Protein change: p.Ile2426=; no amino-acid change (isoleucine 2426 retained).
Molecular consequence: synonymous variant.
Genome position (GRCh38, 1-based): chr13:32,355,131, T>A. VCF-style: chr13-32355131-T-A. GRCh37 (hg19) VCF-style: chr13-32929268-T-A.
Identifiers: ClinVar variation 184726 (VCV000184726.32), dbSNP rs372377916, ClinGen allele CA025010.